The following is an entry in ClinVar:

ClinVar aggregate classification (germline): Conflicting classifications of pathogenicity. Review status: criteria provided, conflicting classifications (1 of 4 stars). 3 submissions from 3 submitters: Likely pathogenic (1); Uncertain significance (2). Last evaluated 2025-10-02.

Conditions:
Atypical hemolytic-uremic syndrome. Identifiers: Orphanet 2134, MedGen C2931788, MONDO:0016244.

Allele frequency attached by ClinVar (database versions not stated): gnomAD exomes below 0.00001.
gnomAD v4.1: 1 of 1,596,940 alleles (0.000063%); highest among the groups gnomAD compares: Middle Eastern, 0.017%; no homozygotes.

Submissions (3):

Genomenon, Inc
Classification: Uncertain significance for Atypical hemolytic-uremic syndrome. Last evaluated: 2025-10-02. Review status: criteria provided, single submitter. Criteria: Genomenon Sequence Variant Interpretation Standards. Collection method: curation. Allele origin: germline. Affected: yes.
Comment: CD46 p.Cys157Arg (c.469T>C) is a missense variant that changes the amino acid at residue 157 from Cysteine to Arginine. This variant has been observed in at least one proband affected with atypical hemolytic-uremic syndrome (PMID:27268256;29500241). It is absent or not present at a significant frequency in gnomAD. In silico models agree that this variant is possibly or probably damaging. In conclusion, we classify CD46 p.Cys157Arg (c.469T>C) as a variant of uncertain significance.

Labcorp Genetics (formerly Invitae), Labcorp
Classification: Uncertain significance. Last evaluated: 2024-01-31. Review status: criteria provided, single submitter. Criteria: Invitae Variant Classification Sherloc (09022015). Collection method: clinical testing. Allele origin: germline.
Comment: This sequence change replaces cysteine, which is neutral and slightly polar, with arginine, which is basic and polar, at codon 157 of the CD46 protein (p.Cys157Arg). This variant is not present in population databases (gnomAD no frequency). This missense change has been observed in individual(s) with clinical features of atypical hemolytic uremic syndrome (PMID: 27268256). ClinVar contains an entry for this variant (Variation ID: 1162903). Advanced modeling of protein sequence and biophysical properties (such as structural, functional, and spatial information, amino acid conservation, physicochemical variation, residue mobility, and thermodynamic stability) performed at Invitae indicates that this missense variant is expected to disrupt CD46 protein function with a positive predictive value of 80%. In summary, the available evidence is currently insufficient to determine the role of this variant in disease. Therefore, it has been classified as a Variant of Uncertain Significance.

Mayo Clinic Laboratories, Mayo Clinic
Classification: Likely pathogenic. Last evaluated: 2019-10-06. Review status: criteria provided, single submitter. Criteria: ACMG Guidelines, 2015. Collection method: clinical testing. Allele origin: germline. Observed: 1 variant allele.
Comment: PS4_moderate, PM2, PM5, PP3

Literature cited by the submitters: PubMed 27268256 (cited by 3 submitters); PubMed 29500241 (cited by Genomenon, Inc and Mayo Clinic Laboratories, Mayo Clinic).

NM_172351.3(CD46):c.469T>C (p.Cys157Arg)

Gene: CD46 (CD46 molecule; plus strand). Cytogenetic location: 1q32.2.
Variant type: single nucleotide variant.
Coding change: c.469T>C on transcript NM_172351.3 (MANE Select); coding-DNA position 469, T replaced by C.
Protein change: p.Cys157Arg; replaces cysteine 157 with arginine.
Molecular consequence: missense variant.
Genome position (GRCh38, 1-based): chr1:207,759,718, T>C. VCF-style: chr1-207759718-T-C. GRCh37 (hg19) VCF-style: chr1-207933063-T-C.
Other names: c.469T>C, p.Cys157Arg (NM_002389.4, NM_153826.4, NM_172350.3 and 8 more transcripts); short protein forms C157R.
Identifiers: ClinVar variation 1162903 (VCV001162903.8), dbSNP rs2102552865, ClinGen allele CA344548754.